The following is an entry in ClinVar:

ClinVar aggregate classification (germline): Benign (1 of 4 stars; one submission).

Allele frequency attached by ClinVar (database versions not stated): TOPMed 0.50213; gnomAD 0.50307 and 0.50988; 1000 Genomes Project 30x 0.55294; 1000 Genomes Project 0.55411.
gnomAD v4.1: 77,263 of 151,470 alleles (51%); highest among the groups gnomAD compares: East Asian, 67%; 19,995 homozygotes.

Submission:

GeneDx
Classification: Benign. Last evaluated: 2018-06-18. Review status: criteria provided, single submitter. Criteria: GeneDx Variant Classification (06012015). Collection method: clinical testing. Allele origin: germline. Affected: yes.
Comment: This variant is considered likely benign or benign based on one or more of the following criteria: it is a conservative change, it occurs at a poorly conserved position in the protein, it is predicted to be benign by multiple in silico algorithms, and/or has population frequency not consistent with disease.

NM_001035.3(RYR2):c.3599-225T>C

Gene: RYR2 (ryanodine receptor 2; plus strand). Cytogenetic location: 1q43.
Variant type: single nucleotide variant.
Coding change: c.3599-225T>C on transcript NM_001035.3 (MANE Select); 225 bases into the intron before coding-DNA position 3599, T replaced by C.
Molecular consequence: intron variant.
Genome position (GRCh38, 1-based): chr1:237,589,568, T>C. VCF-style: chr1-237589568-T-C. GRCh37 (hg19) VCF-style: chr1-237752868-T-C.
Identifiers: ClinVar variation 669219 (VCV000669219.1), dbSNP rs12033746, ClinGen allele CA10861596.